The following is an entry in ClinVar:

ClinVar aggregate classification (germline): Uncertain significance (1 of 4 stars; one submission).

Submission:

Women's Health and Genetics/Laboratory Corporation of America, LabCorp
Classification: Uncertain significance. Last evaluated: 2022-08-19. Review status: criteria provided, single submitter. Criteria: LabCorp Variant Classification Summary - May 2015. Collection method: clinical testing. Allele origin: germline.
Comment: Variant summary: CYB5R3 c.7delG (p.Ala3ProfsX22) results in a premature termination codon, predicted to cause an absence of the protein due to nonsense mediated decay (NMD), or an N-teminal truncation of the encoded protein due to translation initiation at a downstream codon. The next potential in-frame start codons are located at Met11 and Met24, and a downstream truncating variant, which is located upstream of Met24 has been reported in an affected individual (c.51G>A (p.Trp17X); PMID 35143101), who carried a (likely) pathogenic variant in trans. The variant was absent in 147144 control chromosomes (gnomAD v3.1, genomes dataset). To our knowledge, no occurrence of c.7delG in individuals affected with Deficiency of Cytochrome-B5 Reductase and no experimental evidence demonstrating its impact on protein function have been reported. No clinical diagnostic laboratories have submitted clinical-significance assessments for this variant to ClinVar after 2014. Based on the evidence outlined above, the variant was classified as VUS-possibly pathogenic.

NM_000398.7(CYB5R3):c.7del (p.Ala3fs)

Genes: CYB5R3 (cytochrome b5 reductase 3; minus strand), LOC130067609 (ATAC-STARR-seq lymphoblastoid silent region 13835; plus strand). Cytogenetic location: 22q13.2.
Variant type: Deletion.
Coding change: c.7del on transcript NM_000398.7 (MANE Select); coding-DNA position 7, one base deleted (G; older notation c.7delG).
Protein change: p.Ala3fs; shifts the reading frame from alanine 3.
Molecular consequence: frameshift variant, initiator codon variant.
Genome position (GRCh38, 1-based): chr22:42,649,309, C deleted on the plus strand (G on the coding strand, the reverse complement: CYB5R3 is on the minus strand); the first of 5 consecutive C bases (chr22:42,649,309-42,649,313); deleting any one gives the same sequence. VCF-style (leftmost placement, unchanged base first): chr22-42649308-GC-G. GRCh37 (hg19) VCF-style: chr22-43045314-GC-G.
Other names: c.3delG, p.Ala3Profs (NM_001031678.1); short protein forms A3fs.
Identifiers: ClinVar variation 1705148 (VCV001705148.2), dbSNP rs1303288436, ClinGen allele CA639501414.